The following is an entry in ClinVar:

ClinVar aggregate classification (germline): Uncertain significance (1 of 4 stars; one submission).

gnomAD v4.1: 107 of 1,613,128 alleles (0.0066%); highest among the groups gnomAD compares: South Asian, 0.1%; 1 homozygote.

Submission:

Labcorp Genetics (formerly Invitae), Labcorp
Classification: Uncertain significance. Last evaluated: 2025-06-01. Review status: criteria provided, single submitter. Criteria: Invitae Variant Classification Sherloc (09022015). Collection method: clinical testing. Allele origin: germline.
Comment: This sequence change replaces leucine, which is neutral and non-polar, with proline, which is neutral and non-polar, at codon 80 of the GCKR protein (p.Leu80Pro). This variant is present in population databases (rs571568249, gnomAD 0.1%), and has an allele count higher than expected for a pathogenic variant. This missense change has been observed in individual(s) with dyslipidemia (PMID: 2041611, 36325899). Invitae Evidence Modeling of protein sequence and biophysical properties (such as structural, functional, and spatial information, amino acid conservation, physicochemical variation, residue mobility, and thermodynamic stability) has been performed for this missense variant. However, the output from this modeling did not meet the statistical confidence thresholds required to predict the impact of this variant on GCKR protein function. In summary, the available evidence is currently insufficient to determine the role of this variant in disease. Therefore, it has been classified as a Variant of Uncertain Significance.

Literature cited by the submitters: PubMed 2041611; PubMed 36325899.

NM_001486.4(GCKR):c.239T>C (p.Leu80Pro)

Gene: GCKR (glucokinase regulator; plus strand). Cytogenetic location: 2p23.3.
Variant type: single nucleotide variant.
Coding change: c.239T>C on transcript NM_001486.4 (MANE Select); coding-DNA position 239, T replaced by C.
Protein change: p.Leu80Pro; replaces leucine 80 with proline.
Molecular consequence: missense variant.
Genome position (GRCh38, 1-based): chr2:27,497,584, T>C. VCF-style: chr2-27497584-T-C. GRCh37 (hg19) VCF-style: chr2-27720451-T-C.
Other names: short protein forms L80P.
Identifiers: ClinVar variation 4691650 (VCV004691650.1).